The following is an entry in ClinVar:

ClinVar aggregate classification (germline): Uncertain significance (1 of 4 stars; one submission).

Conditions:
Hyperekplexia 2 (HKPX2). Identifiers: Orphanet 3197, MedGen C3553291, MONDO:0013828, OMIM 614619.

Allele frequency attached by ClinVar (database versions not stated): gnomAD exomes below 0.00001 and 0.00002; gnomAD 0.00001; TOPMed 0.00003; ESP Exome Variant Server 0.00008.
gnomAD v4.1: 42 of 1,613,234 alleles (0.0026%); highest among the groups gnomAD compares: Non-Finnish European, 0.0028%; no homozygotes.

Submission:

Labcorp Genetics (formerly Invitae), Labcorp
Classification: Uncertain significance for Hyperekplexia 2. Last evaluated: 2022-07-12. Review status: criteria provided, single submitter. Criteria: Invitae Variant Classification Sherloc (09022015). Collection method: clinical testing. Allele origin: germline.
Comment: This sequence change replaces valine, which is neutral and non-polar, with methionine, which is neutral and non-polar, at codon 256 of the GLRB protein (p.Val256Met). This variant is not present in population databases (gnomAD no frequency). This variant has not been reported in the literature in individuals affected with GLRB-related conditions. ClinVar contains an entry for this variant (Variation ID: 1399222). Algorithms developed to predict the effect of missense changes on protein structure and function are either unavailable or do not agree on the potential impact of this missense change (SIFT: "Deleterious"; PolyPhen-2: "Probably Damaging"; Align-GVGD: "Class C15"). In summary, the available evidence is currently insufficient to determine the role of this variant in disease. Therefore, it has been classified as a Variant of Uncertain Significance.

NM_000824.5(GLRB):c.766G>A (p.Val256Met)

Gene: GLRB (glycine receptor beta; plus strand). Cytogenetic location: 4q32.1.
Variant type: single nucleotide variant.
Coding change: c.766G>A on transcript NM_000824.5 (MANE Select); coding-DNA position 766, G replaced by A.
Protein change: p.Val256Met; replaces valine 256 with methionine.
Molecular consequence: missense variant.
Genome position (GRCh38, 1-based): chr4:157,143,821, G>A. VCF-style: chr4-157143821-G-A. GRCh37 (hg19) VCF-style: chr4-158064973-G-A.
Other names: c.766G>A, p.Val256Met (NM_001166060.2, NM_001166061.2); short protein forms V256M.
Identifiers: ClinVar variation 1399222 (VCV001399222.5), dbSNP rs144334540, ClinGen allele CA109164679.